The following is an entry in ClinVar:

ClinVar aggregate classification (germline): Pathogenic. Review status: criteria provided, multiple submitters, no conflicts (2 of 4 stars). 2 submissions from 2 submitters: Pathogenic (2). Last evaluated 2024-06-11.

Conditions:
Spongy degeneration of central nervous system. Also called: ACY2 DEFICIENCY; AMINOACYLASE 2 DEFICIENCY; ASP DEFICIENCY; ASPA DEFICIENCY; ASPARTOACYLASE DEFICIENCY; CANAVAN-VAN BOGAERT-BERTRAND DISEASE. Identifiers: Orphanet 141, MedGen C0206307, MONDO:0010079, OMIM 271900.

Submissions (2):

Labcorp Genetics (formerly Invitae), Labcorp
Classification: Pathogenic for Spongy degeneration of central nervous system. Last evaluated: 2024-06-11. Review status: criteria provided, single submitter. Criteria: Invitae Variant Classification Sherloc (09022015). Collection method: clinical testing. Allele origin: germline.
Comment: This sequence change creates a premature translational stop signal (p.Ile170Lysfs*8) in the ASPA gene. It is expected to result in an absent or disrupted protein product. Loss-of-function variants in ASPA are known to be pathogenic (PMID: 12638939). This variant is not present in population databases (gnomAD no frequency). This variant has not been reported in the literature in individuals affected with ASPA-related conditions. For these reasons, this variant has been classified as Pathogenic.

Myriad Genetics, Inc.
Classification: Pathogenic for Spongy degeneration of central nervous system. Last evaluated: 2023-09-13. Review status: criteria provided, single submitter. Criteria: Myriad Autosomal Dominant, Autosomal Recessive and X-Linked Classification Criteria (2023). Collection method: clinical testing. Allele origin: unknown.
Comment: NM_000049.2(ASPA):c.509delT(I170Kfs*8) is expected to be pathogenic in the context of Canavan disease. This variant is predicted to lead to an abnormal or absent protein product due to the creation of a premature termination codon in ASPA, a gene where loss-of-function variants are known to be pathogenic. Please note: this variant was assessed in the context of healthy population screening.

Literature cited by the submitters: PubMed 12638939 (cited by Labcorp Genetics (formerly Invitae), Labcorp).

NM_000049.4(ASPA):c.509del (p.Ile170fs)

Genes: ASPA (aspartoacylase; plus strand), SPATA22 (spermatogenesis associated 22; minus strand). Cytogenetic location: 17p13.2.
Variant type: Deletion.
Coding change: c.509del on transcript NM_000049.4 (MANE Select); coding-DNA position 509, one base deleted (T; older notation c.509delT).
Protein change: p.Ile170fs; shifts the reading frame from isoleucine 170.
Molecular consequence: frameshift variant. On other transcripts: intron variant (2).
Genome position (GRCh38, 1-based): chr17:3,483,575, T deleted. VCF-style (leftmost placement, unchanged base first): chr17-3483574-AT-A. GRCh37 (hg19) VCF-style: chr17-3386868-AT-A.
Other names: c.509del, p.Ile170fs (NM_001128085.1); c.-73-14177del (NM_001321336.2, NM_001321337.2); short protein forms I170fs.
Identifiers: ClinVar variation 3656187 (VCV003656187.3).